The following is an entry in ClinVar:

NM_001122630.2(CDKN1C):c.586G>A (p.Ala196Thr)

Gene: CDKN1C (cyclin dependent kinase inhibitor 1C; minus strand). Cytogenetic location: 11p15.4.
Variant type: single nucleotide variant.
Coding change: c.586G>A on transcript NM_001122630.2 (MANE Select); coding-DNA position 586, G replaced by A.
Protein change: p.Ala196Thr; replaces alanine 196 with threonine.
Molecular consequence: missense variant. On other transcripts: intron variant (1).
Genome position (GRCh38, 1-based): chr11:2,884,871, C>T on the plus strand (G>A on the coding strand, the complement: CDKN1C is on the minus strand). VCF-style: chr11-2884871-C-T. GRCh37 (hg19) VCF-style: chr11-2906101-C-T.
Other names: c.619G>A, p.Ala207Thr (LRG_533t1, NM_000076.2, NM_001362474.2); c.586G>A, p.Ala196Thr (NM_001122631.2); c.255+331G>A (NM_001362475.2); short protein forms A207T, A196T.
Identifiers: ClinVar variation 524689 (VCV000524689.5), dbSNP rs1554937870, ClinGen allele CA379146278.

ClinVar aggregate classification (germline): Uncertain significance (1 of 4 stars; one submission).

Conditions:
Beckwith-Wiedemann syndrome (BWS). Also called: EMG SYNDROME; Exomphalos macroglossia gigantism syndrome. Identifiers: Orphanet 116, MedGen C0004903, MONDO:0007534, OMIM 130650.

Submission:

Labcorp Genetics (formerly Invitae), Labcorp
Classification: Uncertain significance for Beckwith-Wiedemann syndrome. Last evaluated: 2024-04-08. Review status: criteria provided, single submitter. Criteria: Invitae Variant Classification Sherloc (09022015). Collection method: clinical testing. Allele origin: germline.
Comment: This sequence change replaces alanine, which is neutral and non-polar, with threonine, which is neutral and polar, at codon 207 of the CDKN1C protein (p.Ala207Thr). The frequency data for this variant in the population databases is considered unreliable, as metrics indicate insufficient coverage at this position in the gnomAD database. This variant has not been reported in the literature in individuals affected with CDKN1C-related conditions. ClinVar contains an entry for this variant (Variation ID: 524689). Advanced modeling of protein sequence and biophysical properties (such as structural, functional, and spatial information, amino acid conservation, physicochemical variation, residue mobility, and thermodynamic stability) performed at Invitae indicates that this missense variant is not expected to disrupt CDKN1C protein function with a negative predictive value of 80%. In summary, the available evidence is currently insufficient to determine the role of this variant in disease. Therefore, it has been classified as a Variant of Uncertain Significance.